The following is an entry in ClinVar:

ClinVar aggregate classification (germline): Benign. Review status: criteria provided, multiple submitters, no conflicts (2 of 4 stars). 10 submissions from 10 submitters: Benign (9). 1 of the submissions does not count toward it. Last evaluated 2026-09-21.

Conditions:
Frontometaphyseal dysplasia (FMD1). Identifiers: Orphanet 1826, MedGen C0265293, MONDO:0015942.
Heterotopia, periventricular, X-linked dominant (PVNH1). Also called: X-linked periventricular heterotopia; PERIVENTRICULAR NODULAR HETEROTOPIA 1; PERIVENTRICULAR NODULAR HETEROTOPIA 4; HETEROTOPIA, PERIVENTRICULAR, 1. Identifiers: Orphanet 2149, Orphanet 82004, MedGen C1848213, MONDO:0010233, OMIM 300049.
Oto-palato-digital syndrome, type II (OPD2). Also called: FACIOPALATOOSSEOUS SYNDROME; OPD II SYNDROME; Otopalatodigital Syndrome Type 2 (FLNA-OPD2); Otopalatodigital Syndrome, Type II. Identifiers: Orphanet 669, Orphanet 90652, MedGen C1844696, MONDO:0010571, OMIM 304120.
Melnick-Needles syndrome (MNS). Also called: MELNICK-NEEDLES OSTEODYSPLASTY; OSTEODYSPLASTY OF MELNICK AND NEEDLES; Melnick-Needles Syndrome (FLNA-MNS). Identifiers: Orphanet 2484, MedGen C0025237, MONDO:0010650, OMIM 309350.
Familial thoracic aortic aneurysm and aortic dissection (TAAD). Also called: Thoracic aortic aneurysms and dissections. Identifiers: Orphanet 91387, MedGen C4707243, MONDO:0019625.

Allele frequency attached by ClinVar (database versions not stated): gnomAD exomes 0.00590 and 0.00224; ExAC 0.00700; gnomAD 0.02157 and 0.02319; ESP Exome Variant Server 0.02419; TOPMed 0.02439; 1000 Genomes Project 0.02570; 1000 Genomes Project 30x 0.02685.
gnomAD v4.1: 4,990 of 1,209,084 alleles (0.41%); highest among the groups gnomAD compares: African/African-American, 7.4%; 129 homozygotes.

Submissions (10):

Molecular Diagnostic Laboratory for Inherited Cardiovascular Disease, Montreal Heart Institute
Classification: Benign. Last evaluated: 2026-09-21. Review status: criteria provided, single submitter. Criteria: ACMG Guidelines, 2015. Collection method: clinical testing. Allele origin: germline. Affected: no.
Comment: BP7

Labcorp Genetics (formerly Invitae), Labcorp
Classification: Benign for Oto-palato-digital syndrome, type II; Heterotopia, periventricular, X-linked dominant; Frontometaphyseal dysplasia; Melnick-Needles syndrome. Last evaluated: 2026-02-04. Review status: criteria provided, single submitter. Criteria: Invitae Variant Classification Sherloc (09022015). Collection method: clinical testing. Allele origin: germline.

ARUP Laboratories, Molecular Genetics and Genomics, ARUP Laboratories
Classification: Benign. Last evaluated: 2025-07-14. Review status: criteria provided, single submitter. Criteria: ARUP Molecular Germline Variant Investigation Process 2024. Collection method: clinical testing. Allele origin: germline.

Athena Diagnostics
Classification: Benign. Last evaluated: 2025-01-03. Review status: criteria provided, single submitter. Criteria: Athena Diagnostics Criteria. Collection method: clinical testing. Allele origin: unknown.
Comment: The frequency of this variant in the general population is higher than would generally be expected for pathogenic variants in this gene.

Mayo Clinic Laboratories, Mayo Clinic
Classification: Benign. Last evaluated: 2023-12-17. Review status: criteria provided, single submitter. Criteria: ACMG Guidelines, 2015. Collection method: clinical testing. Allele origin: germline. Observed: 74 variant alleles.

Women's Health and Genetics/Laboratory Corporation of America, LabCorp
Classification: Benign. Last evaluated: 2023-07-21. Review status: criteria provided, single submitter. Criteria: LabCorp Variant Classification Summary - May 2015. Collection method: clinical testing. Allele origin: germline.

Ambry Genetics
Classification: Benign for Familial thoracic aortic aneurysm and aortic dissection. Last evaluated: 2015-03-26. Review status: criteria provided, single submitter. Criteria: Ambry Variant Classification Scheme 2023. Collection method: clinical testing. Allele origin: germline.

GeneDx
Classification: Benign. Last evaluated: 2014-05-17. Review status: criteria provided, single submitter. Criteria: GeneDx Variant Classification (06012015). Collection method: clinical testing. Allele origin: germline. Affected: yes.
Comment: This variant is considered likely benign or benign based on one or more of the following criteria: it is a conservative change, it occurs at a poorly conserved position in the protein, it is predicted to be benign by multiple in silico algorithms, and/or has population frequency not consistent with disease.

Breakthrough Genomics
Classification: Benign. Review status: criteria provided, single submitter. Criteria: ACMG Guidelines, 2015. Collection method: not provided. Allele origin: germline. Inheritance: X-linked inheritance. Affected: yes.

Genetic Services Laboratory, University of Chicago
Classification: Likely benign for AllHighlyPenetrant. Review status: no assertion criteria provided. Collection method: clinical testing. Allele origin: germline. Inheritance: X-linked inheritance. Not counted in ClinVar's aggregate classification.
Comment: Likely benign based on allele frequency in 1000 Genomes Project or ESP global frequency and its presence in a patient with a rare or unrelated disease phenotype. NOT Sanger confirmed.

NM_001110556.2(FLNA):c.1968C>T (p.Leu656=)

Gene: FLNA (filamin A; minus strand). Cytogenetic location: Xq28.
Variant type: single nucleotide variant.
Coding change: c.1968C>T on transcript NM_001110556.2 (MANE Select); coding-DNA position 1968, C replaced by T.
Protein change: p.Leu656=; no amino-acid change (leucine 656 retained).
Molecular consequence: synonymous variant.
Genome position (GRCh38, 1-based): chrX:154,364,580, G>A on the plus strand (C>T on the coding strand, the complement: FLNA is on the minus strand). VCF-style: chrX-154364580-G-A. GRCh37 (hg19) VCF-style: chrX-153592948-G-A.
Other names: p.L656L:CTC>CTT; p.Leu656=; c.1968C>T, p.Leu656= (NM_001456.4); c.1968C>T (NM_001110556.1).
Identifiers: ClinVar variation 129067 (VCV000129067.39), dbSNP rs73638274, ClinGen allele CA288852.
Genomic context (GRCh38, chrX:154,364,580, plus strand): 5'-CTTTACCCTGTCTGGGTGGAAGTCCTGGGGCGCGTCACGGATGTCAGCCATGAAGGGGCT[G>A]AGGCGGATGTCTTCGCTGTTGCACAGCACGTGAACGGCATACTCGCCAGCCTCCTGCGGC-3'
Protein context (NP_001104026.1, residues 646-666): HVLCNSEDIR[Leu656=]SPFMADIRDA